The following is an entry in ClinVar:

ClinVar aggregate classification (germline): Likely benign. Review status: criteria provided, multiple submitters, no conflicts (2 of 4 stars). 2 submissions from 2 submitters: Likely benign (2). Last evaluated 2026-09-24.

Conditions:
TMEM67-related disorder. Also called: TMEM67-related condition; TMEM67-related disorders. Identifiers: MedGen CN239423.
Joubert syndrome. Also called: JOUBERT-BOLTSHAUSER SYNDROME; Familial aplasia of the vermis. Identifiers: Orphanet 475, MedGen C5979921, MONDO:0018772.
Meckel-Gruber syndrome. Also called: DYSENCEPHALIA SPLANCHNOCYSTICA; GRUBER SYNDROME; Dysencephalia splachnocystica. Identifiers: Orphanet 564, MedGen C0265215, MONDO:0018921.

Allele frequency attached by ClinVar (database versions not stated): gnomAD exomes below 0.00001; TOPMed 0.00002.
gnomAD v4.1: 7 of 1,587,446 alleles (0.00044%); highest among the groups gnomAD compares: East Asian, 0.0022%; no homozygotes.

Submissions (2):

PreventionGenetics, part of Exact Sciences
Classification: Likely benign for TMEM67-related condition. Last evaluated: 2026-09-24. Review status: criteria provided, single submitter. Criteria: ACMG Guidelines, 2015. Collection method: clinical testing. Allele origin: germline.
Comment: This variant is classified as likely benign based on ACMG/AMP sequence variant interpretation guidelines (Richards et al. 2015 PMID: 25741868, with internal and published modifications).

Labcorp Genetics (formerly Invitae), Labcorp
Classification: Likely benign for Joubert syndrome; Meckel-Gruber syndrome. Last evaluated: 2023-06-19. Review status: criteria provided, single submitter. Criteria: Invitae Variant Classification Sherloc (09022015). Collection method: clinical testing. Allele origin: germline.

NM_153704.6(TMEM67):c.2244C>T (p.Val748=)

Gene: TMEM67 (transmembrane protein 67; plus strand). Cytogenetic location: 8q22.1.
Variant type: single nucleotide variant.
Coding change: c.2244C>T on transcript NM_153704.6 (MANE Select); coding-DNA position 2244, C replaced by T.
Protein change: p.Val748=; no amino-acid change (valine 748 retained).
Molecular consequence: synonymous variant. On other transcripts: non-coding transcript variant (1).
Genome position (GRCh38, 1-based): chr8:93,803,606, C>T. VCF-style: chr8-93803606-C-T. GRCh37 (hg19) VCF-style: chr8-94815834-C-T.
Other names: c.2001C>T, p.Val667= (NM_001142301.1).
Identifiers: ClinVar variation 2155857 (VCV002155857.5), dbSNP rs1001805885, ClinGen allele CA181343386.